The following is an entry in ClinVar:

ClinVar aggregate classification (germline): Uncertain significance (1 of 4 stars; one submission).

Conditions:
Nephronophthisis. Also called: Juvenile Nephronophthisis. Identifiers: Orphanet 655, MedGen C0687120, MONDO:0019005, HP:0000090.

Submission:

Labcorp Genetics (formerly Invitae), Labcorp
Classification: Uncertain significance for Nephronophthisis. Last evaluated: 2022-08-07. Review status: criteria provided, single submitter. Criteria: Invitae Variant Classification Sherloc (09022015). Collection method: clinical testing. Allele origin: germline.
Comment: In summary, the available evidence is currently insufficient to determine the role of this variant in disease. Therefore, it has been classified as a Variant of Uncertain Significance. Algorithms developed to predict the effect of missense changes on protein structure and function output the following: SIFT: "Deleterious"; PolyPhen-2: "Benign"; Align-GVGD: "Class C0". The asparagine amino acid residue is found in multiple mammalian species, which suggests that this missense change does not adversely affect protein function. This variant has not been reported in the literature in individuals affected with NPHP3-related conditions. This variant is not present in population databases (gnomAD no frequency). This sequence change replaces lysine, which is basic and polar, with asparagine, which is neutral and polar, at codon 847 of the NPHP3 protein (p.Lys847Asn).

NM_153240.5(NPHP3):c.2541G>T (p.Lys847Asn)

Genes: NPHP3 (nephrocystin 3; minus strand), NPHP3-ACAD11 (NPHP3-ACAD11 readthrough (NMD candidate); minus strand). Cytogenetic location: 3q22.1.
Variant type: single nucleotide variant.
Coding change: c.2541G>T on transcript NM_153240.5 (MANE Select); coding-DNA position 2541, G replaced by T.
Protein change: p.Lys847Asn; replaces lysine 847 with asparagine.
Molecular consequence: missense variant. On other transcripts: non-coding transcript variant (1).
Genome position (GRCh38, 1-based): chr3:132,691,221, C>A on the plus strand (G>T on the coding strand, the complement: NPHP3 is on the minus strand). VCF-style: chr3-132691221-C-A. GRCh37 (hg19) VCF-style: chr3-132410065-C-A.
Other names: short protein forms K847N.
Identifiers: ClinVar variation 1715616 (VCV001715616.5), dbSNP rs2530403537, ClinGen allele CA354581070.